The following is an entry in ClinVar:

ClinVar aggregate classification (germline): Pathogenic/Likely pathogenic. Review status: criteria provided, multiple submitters, no conflicts (2 of 4 stars). 4 submissions from 4 submitters: Pathogenic (1); Likely pathogenic (2). 1 of the submissions does not count toward it. Last evaluated 2025-12-23.

Conditions:
Bloom syndrome (BLM). Also called: Bloom-Torre-Machacek syndrome. Identifiers: Orphanet 125, MedGen C0005859, MONDO:0008876, OMIM 210900.

Submissions (4):

Natera, Inc.
Classification: Likely pathogenic for Bloom syndrome. Last evaluated: 2025-12-23. Review status: criteria provided, single submitter. Criteria: Natera Variant Classification Schema (03/2026). Collection method: clinical testing. Allele origin: germline.
Comment: The c.1764_1777del variant in BLM is a frameshift variant predicted to shift the reading frame beginning at codon 588 and leads to a stop codon 2 codons downstream. This variant is expected to result in nonsense mediated decay, truncation, or a dysfunctional protein product. This variant is rare in the general population with a frequency below the threshold expected for the associated phenotype(s). Given the available evidence, this variant is classified as Likely Pathogenic.

Fulgent Genetics
Classification: Likely pathogenic for Bloom syndrome. Last evaluated: 2024-03-13. Review status: criteria provided, single submitter. Criteria: ACMG Guidelines, 2015. Collection method: clinical testing. Allele origin: germline.

Labcorp Genetics (formerly Invitae), Labcorp
Classification: Pathogenic for Bloom syndrome. Last evaluated: 2021-01-22. Review status: criteria provided, single submitter. Criteria: Invitae Variant Classification Sherloc (09022015). Collection method: clinical testing. Allele origin: germline.
Comment: This sequence change creates a premature translational stop signal (p.Lys588Asnfs*2) in the BLM gene. It is expected to result in an absent or disrupted protein product. Loss-of-function variants in BLM are known to be pathogenic (PMID: 17407155). This variant is not present in population databases (ExAC no frequency). This variant has not been reported in the literature in individuals with BLM-related conditions. ClinVar contains an entry for this variant (Variation ID: 371040). For these reasons, this variant has been classified as Pathogenic.

Counsyl
Classification: Likely pathogenic for Bloom syndrome. Last evaluated: 2016-06-13. Review status: no assertion criteria provided. Collection method: clinical testing. Allele origin: unknown. Not counted in ClinVar's aggregate classification.

Literature cited by the submitters: PubMed 17407155 (cited by Labcorp Genetics (formerly Invitae), Labcorp).

NM_000057.4(BLM):c.1764_1777del (p.Lys588fs)

Gene: BLM (BLM RecQ like helicase; plus strand). Cytogenetic location: 15q26.1.
Variant type: Deletion.
Coding change: c.1764_1777del on transcript NM_000057.4 (MANE Select); coding-DNA positions 1764 to 1777, 14 bases deleted (GGAAGGTCGGCCAA).
Protein change: p.Lys588fs; shifts the reading frame from lysine 588.
Molecular consequence: frameshift variant.
Genome position (GRCh38, 1-based): chr15:90,761,137-90,761,150, GGAAGGTCGGCCAA deleted; deleting any 14 consecutive bases within chr15:90,761,134-90,761,150 gives the same sequence; the c. name uses the placement nearest the transcript's 3' end. VCF-style (leftmost placement, unchanged base first): chr15-90761133-TCAAGGAAGGTCGGC-T. GRCh37 (hg19) VCF-style: chr15-91304363-TCAAGGAAGGTCGGC-T.
Other names: c.1764_1777del (LRG_20t1, NM_000057.3); c.1764_1777del, p.Lys588fs (NM_001287246.2, NM_001287247.2); c.639_652del, p.Lys213fs (NM_001287248.2); short protein forms K588fs, K213fs.
Identifiers: ClinVar variation 371040 (VCV000371040.11), dbSNP rs1057516956, ClinGen allele CA16041773.